The following is an entry in ClinVar:

ClinVar aggregate classification (germline): Uncertain significance. Review status: criteria provided, single submitter (1 of 4 stars). 2 submissions from 2 submitters: Uncertain significance (1). 1 of the submissions does not count toward it. Last evaluated 2021-08-30.

Conditions:
Primary ciliary dyskinesia. Also called: Ciliary dyskinesia. Identifiers: Orphanet 244, MedGen C0008780, MONDO:0016575, HP:0012265.

Allele frequency attached by ClinVar (database versions not stated): gnomAD exomes 0.00001 and 0.00002; TOPMed 0.00001.
gnomAD v4.1: 5 of 1,614,150 alleles (0.00031%); highest among the groups gnomAD compares: Admixed American, 0.0067%; no homozygotes.

Submissions (2):

Labcorp Genetics (formerly Invitae), Labcorp
Classification: Uncertain significance for Primary ciliary dyskinesia. Last evaluated: 2021-08-30. Review status: criteria provided, single submitter. Criteria: Invitae Variant Classification Sherloc (09022015). Collection method: clinical testing. Allele origin: germline.
Comment: This sequence change replaces threonine with isoleucine at codon 233 of the DNAH5 protein (p.Thr233Ile). The threonine residue is weakly conserved and there is a moderate physicochemical difference between threonine and isoleucine. This variant is not present in population databases (ExAC no frequency). This variant has not been reported in the literature in individuals affected with DNAH5-related conditions. Algorithms developed to predict the effect of missense changes on protein structure and function are either unavailable or do not agree on the potential impact of this missense change (SIFT: "Deleterious"; PolyPhen-2: "Benign"; Align-GVGD: "Class C0"). In summary, the available evidence is currently insufficient to determine the role of this variant in disease. Therefore, it has been classified as a Variant of Uncertain Significance.

Natera, Inc.
Classification: Uncertain significance for Primary ciliary dyskinesia. Last evaluated: 2021-03-01. Review status: no assertion criteria provided. Collection method: clinical testing. Allele origin: germline. Not counted in ClinVar's aggregate classification.

NM_001369.3(DNAH5):c.698C>T (p.Thr233Ile)

Gene: DNAH5 (dynein axonemal heavy chain 5; minus strand). Cytogenetic location: 5p15.2.
Variant type: single nucleotide variant.
Coding change: c.698C>T on transcript NM_001369.3 (MANE Select); coding-DNA position 698, C replaced by T.
Protein change: p.Thr233Ile; replaces threonine 233 with isoleucine.
Molecular consequence: missense variant.
Genome position (GRCh38, 1-based): chr5:13,920,580, G>A on the plus strand (C>T on the coding strand, the complement: DNAH5 is on the minus strand). VCF-style: chr5-13920580-G-A. GRCh37 (hg19) VCF-style: chr5-13920689-G-A.
Other names: short protein forms T233I.
Identifiers: ClinVar variation 1005843 (VCV001005843.10), dbSNP rs1416012949, ClinGen allele CA359220771.